The following is an entry in ClinVar:

ClinVar aggregate classification (germline): Likely pathogenic (1 of 4 stars; one submission).

Conditions:
Mucopolysaccharidosis type 7 (MPS7). Also called: BETA-GLUCURONIDASE DEFICIENCY; GUSB DEFICIENCY; SLY SYNDROME; MPS VII. Identifiers: Orphanet 584, MedGen C0085132, MONDO:0009662, OMIM 253220.

Submission:

Labcorp Genetics (formerly Invitae), Labcorp
Classification: Likely pathogenic for Mucopolysaccharidosis type 7. Last evaluated: 2024-02-19. Review status: criteria provided, single submitter. Criteria: Invitae Variant Classification Sherloc (09022015). Collection method: clinical testing. Allele origin: germline.
Comment: This sequence change affects an acceptor splice site in intron 1 of the GUSB gene. It is expected to disrupt RNA splicing. Variants that disrupt the donor or acceptor splice site typically lead to a loss of protein function (PMID: 16199547), and loss-of-function variants in GUSB are known to be pathogenic (PMID: 19224584). This variant is not present in population databases (gnomAD no frequency). This variant has not been reported in the literature in individuals affected with GUSB-related conditions. Algorithms developed to predict the effect of sequence changes on RNA splicing suggest that this variant may disrupt the consensus splice site. In summary, the currently available evidence indicates that the variant is pathogenic, but additional data are needed to prove that conclusively. Therefore, this variant has been classified as Likely Pathogenic.

Literature cited by the submitters: PubMed 16199547; PubMed 19224584.

NM_000181.4(GUSB):c.211-1G>A

Gene: GUSB (glucuronidase beta; minus strand). Cytogenetic location: 7q11.21.
Variant type: single nucleotide variant.
Coding change: c.211-1G>A on transcript NM_000181.4 (MANE Select); the canonical splice acceptor site of the intron before coding-DNA position 211, G replaced by A.
Molecular consequence: splice acceptor variant.
Genome position (GRCh38, 1-based): chr7:65,980,410, C>T on the plus strand (G>A on the coding strand, the complement: GUSB is on the minus strand). VCF-style: chr7-65980410-C-T. GRCh37 (hg19) VCF-style: chr7-65445397-C-T.
Other names: c.-119-1G>A (NM_001293105.2); c.-175-1G>A (NM_001293104.2); c.211-1G>A (NM_001284290.2).
Identifiers: ClinVar variation 3642010 (VCV003642010.2).